The following is an entry in ClinVar:

ClinVar aggregate classification (germline): Benign. Review status: criteria provided, multiple submitters, no conflicts (2 of 4 stars). 3 submissions from 3 submitters: Benign (3). Last evaluated 2026-02-02.

Allele frequency attached by ClinVar (database versions not stated): TOPMed 0.35646; 1000 Genomes Project 30x 0.37773; gnomAD exomes 0.28366 and 0.26452; ExAC 0.28904; gnomAD 0.34118 and 0.34417; ESP Exome Variant Server 0.36076; 1000 Genomes Project 0.37141.
gnomAD v4.1: 439,093 of 1,611,710 alleles (27%); highest among the groups gnomAD compares: African/African-American, 57%; 64,663 homozygotes.

Submissions (3):

Labcorp Genetics (formerly Invitae), Labcorp
Classification: Benign. Last evaluated: 2026-02-02. Review status: criteria provided, single submitter. Criteria: Invitae Variant Classification Sherloc (09022015). Collection method: clinical testing. Allele origin: germline.

GeneDx
Classification: Benign. Last evaluated: 2018-11-12. Review status: criteria provided, single submitter. Criteria: GeneDx Variant Classification Process June 2021. Collection method: clinical testing. Allele origin: germline. Affected: yes.
Comment: This variant is associated with the following publications: (PMID: 21743057)

Breakthrough Genomics
Classification: Benign. Review status: criteria provided, single submitter. Criteria: ACMG Guidelines, 2015. Collection method: not provided. Allele origin: germline. Inheritance: Autosomal recessive inheritance. Affected: yes.

NM_024101.7(MLPH):c.1040A>G (p.His347Arg)

Gene: MLPH (melanophilin; plus strand). Cytogenetic location: 2q37.3.
Variant type: single nucleotide variant.
Coding change: c.1040A>G on transcript NM_024101.7 (MANE Select); coding-DNA position 1040, A replaced by G.
Protein change: p.His347Arg; replaces histidine 347 with arginine.
Molecular consequence: missense variant. On other transcripts: non-coding transcript variant (1), intron variant (3).
Genome position (GRCh38, 1-based): chr2:237,534,583, A>G. VCF-style: chr2-237534583-A-G. GRCh37 (hg19) VCF-style: chr2-238443226-A-G.
Other names: c.676-5765A>G (NM_001281474.2); c.1021-5765A>G (NM_001042467.3); c.901-5765A>G (NM_001281473.2); short protein forms H347R.
Identifiers: ClinVar variation 1229855 (VCV001229855.12), dbSNP rs2292884, ClinGen allele CA2190468.